The following is an entry in ClinVar:

NM_020762.4(SRGAP1):c.1613_1614del (p.Gln538fs)

Gene: SRGAP1 (SLIT-ROBO Rho GTPase activating protein 1; plus strand). Cytogenetic location: 12q14.2.
Variant type: Deletion.
Coding change: c.1613_1614del on transcript NM_020762.4 (MANE Select); coding-DNA positions 1613 to 1614, 2 bases deleted (AG; older notation c.1613_1614delAG).
Protein change: p.Gln538fs; shifts the reading frame from glutamine 538.
Molecular consequence: frameshift variant.
Genome position (GRCh38, 1-based): chr12:64,095,139-64,095,140, AG deleted. VCF-style (leftmost placement, unchanged base first): chr12-64095138-CAG-C. GRCh37 (hg19) VCF-style: chr12-64488918-CAG-C.
Other names: c.1544_1545del, p.Gln515fs (NM_001346201.2); short protein forms Q515fs, Q538fs.
Identifiers: ClinVar variation 2643159 (VCV002643159.24), dbSNP rs2499096771, ClinGen allele CA2695199106.

ClinVar aggregate classification (germline): Uncertain significance (1 of 4 stars; one submission).

Submission:

CeGaT Center for Human Genetics Tuebingen
Classification: Uncertain significance. Last evaluated: 2022-08-01. Review status: criteria provided, single submitter. Criteria: CeGaT Center For Human Genetics Tuebingen Variant Classification Criteria Version 2. Collection method: clinical testing. Allele origin: germline. Affected: yes. Observed: 1 variant allele.
Comment: SRGAP1: PM2